The following is an entry in ClinVar:

NM_007194.4(CHEK2):c.683+4A>C

Gene: CHEK2 (checkpoint kinase 2; minus strand). Cytogenetic location: 22q12.1.
Variant type: single nucleotide variant.
Coding change: c.683+4A>C on transcript NM_007194.4 (MANE Select); 4 bases into the intron after coding-DNA position 683, A replaced by C.
Molecular consequence: intron variant.
Genome position (GRCh38, 1-based): chr22:28,719,391, T>G on the plus strand (A>C on the coding strand, the complement: CHEK2 is on the minus strand). VCF-style: chr22-28719391-T-G. GRCh37 (hg19) VCF-style: chr22-29115379-T-G.
Other names: c.20+4A>C (NM_001437942.1, NM_001257387.3); c.482+5495A>C (NM_001349956.3); c.683+4A>C (NM_145862.3); c.776+4A>C (NM_001438295.1, NM_001438293.1); c.812+4A>C (NM_001438294.1, NM_001005735.3).
Identifiers: ClinVar variation 1046184 (VCV001046184.7), dbSNP rs1064795509, ClinGen allele CA2400249290.

ClinVar aggregate classification (germline): Uncertain significance (1 of 4 stars; one submission).

Conditions:
Familial cancer of breast. Also called: Hereditary breast cancer; hereditary breast carcinoma; BREAST CANCER, FAMILIAL. Identifiers: Orphanet 227535, MedGen C0346153, MONDO:0016419, OMIM 114480. Disease mechanism: loss of function.

Submission:

Labcorp Genetics (formerly Invitae), Labcorp
Classification: Uncertain significance for Familial cancer of breast. Last evaluated: 2020-05-10. Review status: criteria provided, single submitter. Criteria: Invitae Variant Classification Sherloc (09022015). Collection method: clinical testing. Allele origin: germline.
Comment: Nucleotide substitutions within the consensus splice site are a relatively common cause of aberrant splicing (PMID: 17576681, 9536098). Algorithms developed to predict the effect of sequence changes on RNA splicing suggest that this variant is not likely to affect RNA splicing, but this prediction has not been confirmed by published transcriptional studies. This variant has not been reported in the literature in individuals with CHEK2-related conditions. This variant is not present in population databases (ExAC no frequency). This sequence change falls in intron 5 of the CHEK2 gene. It does not directly change the encoded amino acid sequence of the CHEK2 protein, but it affects a nucleotide within the consensus splice site of the intron. In summary, the available evidence is currently insufficient to determine the role of this variant in disease. Therefore, it has been classified as a Variant of Uncertain Significance.

Literature cited by the submitters: PubMed 17576681; PubMed 9536098.